The following is an entry in ClinVar:

NM_001162501.2(TNRC6B):c.1184C>T (p.Pro395Leu)

Gene: TNRC6B (trinucleotide repeat containing adaptor 6B; plus strand). Cytogenetic location: 22q13.1.
Variant type: single nucleotide variant.
Coding change: c.1184C>T on transcript NM_001162501.2 (MANE Select); coding-DNA position 1184, C replaced by T.
Protein change: p.Pro395Leu; replaces proline 395 with leucine.
Molecular consequence: missense variant. On other transcripts: intron variant (1).
Genome position (GRCh38, 1-based): chr22:40,265,414, C>T. VCF-style: chr22-40265414-C-T. GRCh37 (hg19) VCF-style: chr22-40661418-C-T.
Other names: c.1184C>T, p.Pro395Leu (NM_015088.3); c.565+3241C>T (NM_001024843.2); short protein forms P395L.
Identifiers: ClinVar variation 4993349 (VCV004993349.1).
Genomic context (GRCh38, chr22:40,265,414, plus strand): 5'-ATGGAAACACTAACTCCTTGAACTTAAGTTCACCAAACCCCATGGAGAATAAGGGAATGC[C>T]CTTTGGAATGGGCTTGGGGAACACCTCCAGGAGCACTGATGCCCCTTCACAAAGCACTGG-3'
Protein context (NP_001155973.1, residues 385-405): SPNPMENKGM[Pro395Leu]FGMGLGNTSR

ClinVar aggregate classification (germline): Uncertain significance (1 of 4 stars; one submission).

Conditions:
TNRC6B-related disorder. Also called: TNRC6B-related condition.

Submission:

PreventionGenetics, part of Exact Sciences
Classification: Uncertain significance for TNRC6B-related condition. Last evaluated: 2026-03-17. Review status: criteria provided, single submitter. Criteria: ACMG Guidelines, 2015. Collection method: clinical testing. Allele origin: germline.
Comment: The TNRC6B c.1184C>T variant is predicted to result in the amino acid substitution p.Pro395Leu. To our knowledge, this variant has not been reported in the literature or in a large population database (gnomAD), indicating this variant is rare. At this time, the clinical significance of this variant is uncertain due to the absence of conclusive functional and genetic evidence.